The following is an entry in ClinVar:

ClinVar aggregate classification (germline): Pathogenic. Review status: criteria provided, single submitter (1 of 4 stars). 2 submissions from 2 submitters: Pathogenic (1). 1 of the submissions does not count toward it. Last evaluated 2022-03-27.

Conditions:
Seckel syndrome 1 (SCKL1). Also called: MICROCEPHALIC PRIMORDIAL DWARFISM I. Identifiers: Orphanet 808, MedGen C4551474, MONDO:0008869, OMIM 210600.

Allele frequency attached by ClinVar (database versions not stated): gnomAD exomes 0.00001; TOPMed 0.00001.

Submissions (2):

Labcorp Genetics (formerly Invitae), Labcorp
Classification: Pathogenic. Last evaluated: 2022-03-27. Review status: criteria provided, single submitter. Criteria: Invitae Variant Classification Sherloc (09022015). Collection method: clinical testing. Allele origin: germline.
Comment: Algorithms developed to predict the effect of missense changes on protein structure and function are either unavailable or do not agree on the potential impact of this missense change (SIFT: "Tolerated"; PolyPhen-2: "Probably Damaging"; Align-GVGD: "Class C0"). ClinVar contains an entry for this variant (Variation ID: 156536). This missense change has been observed in individuals with Seckel syndrome (PMID: 23144622). This variant is not present in population databases (gnomAD no frequency). This sequence change replaces methionine, which is neutral and non-polar, with isoleucine, which is neutral and non-polar, at codon 1159 of the ATR protein (p.Met1159Ile). RNA analysis indicates that this missense change induces altered splicing and may result in an absent or disrupted protein product. Experimental studies have shown that this missense change affects ATR function (PMID: 23144622). For these reasons, this variant has been classified as Pathogenic. Studies have shown that this missense change results in skipping of exon 18 and introduces a premature termination codon (PMID: 30199583). The resulting mRNA is expected to undergo nonsense-mediated decay.

OMIM
Classification: Pathogenic for SECKEL SYNDROME 1. Last evaluated: 2012-01-01. Review status: no assertion criteria provided. Collection method: literature only. Allele origin: germline. Not counted in ClinVar's aggregate classification.

Literature cited by the submitters: PubMed 23144622 (cited by Labcorp Genetics (formerly Invitae), Labcorp and OMIM); PubMed 30199583 (cited by Labcorp Genetics (formerly Invitae), Labcorp).

NM_001184.4(ATR):c.3477G>T (p.Met1159Ile)

Gene: ATR (ATR checkpoint kinase; minus strand). Cytogenetic location: 3q23.
Variant type: single nucleotide variant.
Coding change: c.3477G>T on transcript NM_001184.4 (MANE Select); coding-DNA position 3477, G replaced by T.
Protein change: p.Met1159Ile; replaces methionine 1159 with isoleucine.
Molecular consequence: missense variant.
Genome position (GRCh38, 1-based): chr3:142,541,008, C>A on the plus strand (G>T on the coding strand, the complement: ATR is on the minus strand). VCF-style: chr3-142541008-C-A. GRCh37 (hg19) VCF-style: chr3-142259850-C-A.
Other names: c.3285G>T, p.Met1095Ile (NM_001354579.2); short protein forms M1159I, M1095I.
Identifiers: ClinVar variation 156536 (VCV000156536.5), dbSNP rs587777851, ClinGen allele CA345955.